The following is an entry in ClinVar:

NM_001145715.3(KPNA7):c.829G>A (p.Gly277Ser)

Gene: KPNA7 (karyopherin subunit alpha 7; minus strand). Cytogenetic location: 7q22.1.
Variant type: single nucleotide variant.
Coding change: c.829G>A on transcript NM_001145715.3 (MANE Select); coding-DNA position 829, G replaced by A.
Protein change: p.Gly277Ser; replaces glycine 277 with serine.
Molecular consequence: missense variant.
Genome position (GRCh38, 1-based): chr7:99,188,371, C>T on the plus strand (G>A on the coding strand, the complement: KPNA7 is on the minus strand). VCF-style: chr7-99188371-C-T. GRCh37 (hg19) VCF-style: chr7-98785994-C-T.
Other names: short protein forms G277S.
Identifiers: ClinVar variation 656940 (VCV000656940.6), dbSNP rs900159181, ClinGen allele CA163745793.

ClinVar aggregate classification (germline): Uncertain significance (1 of 4 stars; one submission).

Allele frequency attached by ClinVar (database versions not stated): gnomAD exomes below 0.00001; TOPMed 0.00002.
gnomAD v4.1: 7 of 1,551,538 alleles (0.00045%); highest among the groups gnomAD compares: Non-Finnish European, 0.00052%; no homozygotes.

Submission:

Labcorp Genetics (formerly Invitae), Labcorp
Classification: Uncertain significance. Last evaluated: 2021-09-02. Review status: criteria provided, single submitter. Criteria: Invitae Variant Classification Sherloc (09022015). Collection method: clinical testing. Allele origin: germline.
Comment: This sequence change replaces glycine with serine at codon 277 of the KPNA7 protein (p.Gly277Ser). The glycine residue is weakly conserved and there is a small physicochemical difference between glycine and serine. This variant is not present in population databases (ExAC no frequency). This variant has not been reported in the literature in individuals affected with KPNA7-related conditions. Algorithms developed to predict the effect of missense changes on protein structure and function output the following: SIFT: "Tolerated"; PolyPhen-2: "Benign"; Align-GVGD: "Class C0". The serine amino acid residue is found in multiple mammalian species, which suggests that this missense change does not adversely affect protein function. In summary, the available evidence is currently insufficient to determine the role of this variant in disease. Therefore, it has been classified as a Variant of Uncertain Significance.